The following is an entry in ClinVar:

ClinVar aggregate classification (germline): Uncertain significance (1 of 4 stars; one submission).

Conditions:
Leber congenital amaurosis 6 (LCA6). Identifiers: Orphanet 65, MedGen C1854260, MONDO:0013446, OMIM 613826.
Cone-rod dystrophy 13 (CORD13). Identifiers: Orphanet 1872, MedGen C2750720, MONDO:0011987, OMIM 608194.

gnomAD v4.1: 5 of 1,458,554 alleles (0.00034%); highest among the groups gnomAD compares: Non-Finnish European, 0.00047%; no homozygotes.

Submission:

Labcorp Genetics (formerly Invitae), Labcorp
Classification: Uncertain significance for Leber congenital amaurosis 6; Cone-rod dystrophy 13. Last evaluated: 2022-05-12. Review status: criteria provided, single submitter. Criteria: Invitae Variant Classification Sherloc (09022015). Collection method: clinical testing. Allele origin: germline.
Comment: Variants that disrupt the consensus splice site are a relatively common cause of aberrant splicing (PMID: 17576681, 9536098). Algorithms developed to predict the effect of sequence changes on RNA splicing suggest that this variant is not likely to affect RNA splicing. This variant has not been reported in the literature in individuals affected with RPGRIP1-related conditions. This variant is not present in population databases (gnomAD no frequency). This sequence change falls in intron 7 of the RPGRIP1 gene. It does not directly change the encoded amino acid sequence of the RPGRIP1 protein. It affects a nucleotide within the consensus splice site. In summary, the available evidence is currently insufficient to determine the role of this variant in disease. Therefore, it has been classified as a Variant of Uncertain Significance.

Literature cited by the submitters: PubMed 17576681; PubMed 9536098.

NM_020366.4(RPGRIP1):c.930+4C>T

Gene: RPGRIP1 (RPGR interacting protein 1; plus strand). Cytogenetic location: 14q11.2.
Variant type: single nucleotide variant.
Coding change: c.930+4C>T on transcript NM_020366.4 (MANE Select); 4 bases into the intron after coding-DNA position 930, C replaced by T.
Molecular consequence: intron variant.
Genome position (GRCh38, 1-based): chr14:21,310,611, C>T. VCF-style: chr14-21310611-C-T. GRCh37 (hg19) VCF-style: chr14-21778770-C-T.
Identifiers: ClinVar variation 2132159 (VCV002132159.4), dbSNP rs1248710277, ClinGen allele CA2580087812.
Genomic context (GRCh38, chr14:21,310,611, plus strand): 5'-ATCAATAAAATAATAATAATTTCTTTCTTCCAGGCATACGAAACCTTGCTCCAGAAGGTA[C>T]TTAATGAGAATTGAGTCTCTGTTTCTTAGTAACCAGAATAATCAAACCCAAAGAAATCTA-3'